The following is an entry in ClinVar:

ClinVar aggregate classification (germline): Uncertain significance (1 of 4 stars; one submission).

Submission:

GeneDx
Classification: Uncertain significance. Last evaluated: 2023-11-21. Review status: criteria provided, single submitter. Criteria: GeneDx Variant Classification Process June 2021. Collection method: clinical testing. Allele origin: germline. Affected: yes.
Comment: Not observed at significant frequency in large population cohorts (gnomAD); In silico analysis supports that this missense variant does not alter protein structure/function; Has not been previously published as pathogenic or benign to our knowledge

NM_006734.4(HIVEP2):c.3300T>G (p.Asp1100Glu)

Gene: HIVEP2 (HIVEP zinc finger 2; minus strand). Cytogenetic location: 6q24.2.
Variant type: single nucleotide variant.
Coding change: c.3300T>G on transcript NM_006734.4 (MANE Select); coding-DNA position 3300, T replaced by G.
Protein change: p.Asp1100Glu; replaces aspartic acid 1100 with glutamic acid.
Molecular consequence: missense variant.
Genome position (GRCh38, 1-based): chr6:142,771,439, A>C on the plus strand (T>G on the coding strand, the complement: HIVEP2 is on the minus strand). VCF-style: chr6-142771439-A-C. GRCh37 (hg19) VCF-style: chr6-143092576-A-C.
Other names: short protein forms D1100E.
Identifiers: ClinVar variation 3364779 (VCV003364779.1).